The following is an entry in ClinVar:

NM_017662.5(TRPM6):c.1731+39T>A

Gene: TRPM6 (transient receptor potential cation channel subfamily M member 6; minus strand). Cytogenetic location: 9q21.13.
Variant type: single nucleotide variant.
Coding change: c.1731+39T>A on transcript NM_017662.5 (MANE Select); 39 bases into the intron after coding-DNA position 1731, T replaced by A.
Molecular consequence: intron variant.
Genome position (GRCh38, 1-based): chr9:74,803,755, A>T on the plus strand (T>A on the coding strand, the complement: TRPM6 is on the minus strand). VCF-style: chr9-74803755-A-T. GRCh37 (hg19) VCF-style: chr9-77418671-A-T.
Other names: c.1716+39T>A (NM_001177310.2, NM_001177311.2).
Identifiers: ClinVar variation 1706776 (VCV001706776.2), dbSNP rs79104866, ClinGen allele CA5084742.

ClinVar aggregate classification (germline): Likely benign (1 of 4 stars; one submission).

Allele frequency attached by ClinVar (database versions not stated): gnomAD exomes 0.00046; ExAC 0.00146; gnomAD 0.00471; ESP Exome Variant Server 0.00484; TOPMed 0.00550; 1000 Genomes Project 0.00559; 1000 Genomes Project 30x 0.00625.
gnomAD v4.1: 1,351 of 1,441,232 alleles (0.094%); highest among the groups gnomAD compares: African/African-American, 1.6%; 11 homozygotes.

Submission:

GeneDx
Classification: Likely benign. Last evaluated: 2021-04-17. Review status: criteria provided, single submitter. Criteria: GeneDx Variant Classification Process June 2021. Collection method: clinical testing. Allele origin: germline. Affected: yes.
Comment: See Variant Classification Assertion Criteria.